The following is an entry in ClinVar:

ClinVar aggregate classification (germline): Pathogenic/Likely pathogenic. Review status: criteria provided, multiple submitters, no conflicts (2 of 4 stars). 3 submissions from 3 submitters: Pathogenic (1); Likely pathogenic (2). Last evaluated 2024-05-04.

Conditions:
Retinitis pigmentosa 93. Identifiers: MedGen C5676970, MONDO:0030797, OMIM 619845.
COACH syndrome 2. Identifiers: MedGen C5436837, MONDO:0030859, OMIM 619111.
Meckel syndrome, type 6. Identifiers: Orphanet 564, MedGen C2676790, MONDO:0012848, OMIM 612284.
Joubert syndrome 9 (JBTS9). Identifiers: Orphanet 2318, MedGen C2676788, MONDO:0012849, OMIM 612285.
Joubert syndrome and related disorders. Identifiers: Orphanet 140874, MedGen C5679612, MONDO:0015369.

Submissions (3):

Myriad Genetics, Inc.
Classification: Pathogenic for Joubert syndrome and related disorders. Last evaluated: 2024-05-04. Review status: criteria provided, single submitter. Criteria: Myriad Autosomal Dominant, Autosomal Recessive and X-Linked Classification Criteria (2023). Collection method: clinical testing. Allele origin: unknown.
Comment: NM_001080522.2(CC2D2A):c.3317_3318delCT(S1106Ffs*12) is expected to be pathogenic in the context of CC2D2A-related disorders. This variant is predicted to lead to an abnormal or absent protein product due to the creation of a premature termination codon in CC2D2A, a gene where loss-of-function variants are known to be pathogenic. Please note: this variant was assessed in the context of healthy population screening.

Fulgent Genetics
Classification: Likely pathogenic for Meckel syndrome, type 6; Joubert syndrome 9; COACH syndrome 2; Retinitis pigmentosa 93. Last evaluated: 2024-05-01. Review status: criteria provided, single submitter. Criteria: ACMG Guidelines, 2015. Collection method: clinical testing. Allele origin: germline.

Juno Genomics, Hangzhou Juno Genomics, Inc
Classification: Likely pathogenic for COACH syndrome 2; Joubert syndrome 9; Meckel syndrome, type 6. Review status: criteria provided, single submitter. Criteria: ACMG Guidelines, 2015. Collection method: clinical testing. Allele origin: germline. Affected: yes.
Comment: Null variant in a gene where loss of function (LOF) is a known mechanism of disease.;Absent from controls (or at extremely low frequency if recessive) in Genome Aggregation Database, Exome Sequencing Project, 1000 Genomes Project, or Exome Aggregation Consortium.

NM_001378615.1(CC2D2A):c.3317_3318del (p.Ser1106fs)

Genes: CC2D2A (coiled-coil and C2 domain containing 2A; plus strand), FBXL5 (F-box and leucine rich repeat protein 5; minus strand). Cytogenetic location: 4p15.32.
Variant type: Microsatellite.
Coding change: c.3317_3318del on transcript NM_001378615.1 (MANE Select); coding-DNA positions 3317 to 3318, 2 bases deleted (CT; older notation c.3317_3318delCT).
Protein change: p.Ser1106fs; shifts the reading frame from serine 1106.
Molecular consequence: frameshift variant.
Genome position (GRCh38, 1-based): chr4:15,567,705-15,567,706, CT deleted; deleting any 2 consecutive bases within chr4:15,567,702-15,567,706 gives the same sequence; the c. name uses the placement nearest the transcript's 3' end. VCF-style (leftmost placement, unchanged base first): chr4-15567701-GTC-G. GRCh37 (hg19) VCF-style: chr4-15569324-GTC-G.
Other names: c.3317_3318del, p.Ser1106fs (NM_001080522.2); c.3170_3171del, p.Ser1057fs (NM_001378617.1); short protein forms S1057fs, S1106fs.
Identifiers: ClinVar variation 3382135 (VCV003382135.4).